The following is an entry in ClinVar:

NM_021784.5(FOXA2):c.1372C>A (p.Pro458Thr)

Gene: FOXA2 (forkhead box A2; minus strand). Cytogenetic location: 20p11.21.
Variant type: single nucleotide variant.
Coding change: c.1372C>A on transcript NM_021784.5 (MANE Select); coding-DNA position 1372, C replaced by A.
Protein change: p.Pro458Thr; replaces proline 458 with threonine.
Molecular consequence: missense variant.
Genome position (GRCh38, 1-based): chr20:22,581,870, G>T on the plus strand (C>A on the coding strand, the complement: FOXA2 is on the minus strand). VCF-style: chr20-22581870-G-T. GRCh37 (hg19) VCF-style: chr20-22562508-G-T.
Other names: c.1354C>A, p.Pro452Thr (NM_153675.3); short protein forms P458T, P452T.
Identifiers: ClinVar variation 1971143 (VCV001971143.5), dbSNP rs749322241, ClinGen allele CA9786856.

ClinVar aggregate classification (germline): Uncertain significance (1 of 4 stars; one submission).

Allele frequency attached by ClinVar (database versions not stated): ExAC 0.00001.

Submission:

Labcorp Genetics (formerly Invitae), Labcorp
Classification: Uncertain significance. Last evaluated: 2022-06-04. Review status: criteria provided, single submitter. Criteria: Invitae Variant Classification Sherloc (09022015). Collection method: clinical testing. Allele origin: germline.
Comment: In summary, the available evidence is currently insufficient to determine the role of this variant in disease. Therefore, it has been classified as a Variant of Uncertain Significance. This sequence change replaces proline, which is neutral and non-polar, with threonine, which is neutral and polar, at codon 458 of the FOXA2 protein (p.Pro458Thr). This variant is present in population databases (rs749322241, gnomAD 0.006%). This variant has not been reported in the literature in individuals affected with FOXA2-related conditions. Algorithms developed to predict the effect of missense changes on protein structure and function are either unavailable or do not agree on the potential impact of this missense change (SIFT: "Deleterious"; PolyPhen-2: "Possibly Damaging"; Align-GVGD: "Class C0").